The following is an entry in ClinVar:

ClinVar aggregate classification (germline): Conflicting classifications of pathogenicity. Review status: criteria provided, conflicting classifications (1 of 4 stars). 5 submissions from 5 submitters: Uncertain significance (4); Likely benign (1). Last evaluated 2025-09-26.

Conditions:
Wolfram syndrome 1 (WFS1). Identifiers: Orphanet 3463, MedGen C4551693, MONDO:0009101, OMIM 222300.
Cataract 41 (CTRCT41). Also called: CATARACT 41, CONGENITAL NUCLEAR TYPE. Identifiers: Orphanet 91492, Orphanet 98991, Orphanet 98992, Orphanet 98995, MedGen C3805412, MONDO:0007287, OMIM 116400.
Autosomal dominant nonsyndromic hearing loss 6 (LFSNHL). Also called: Autosomal dominant nonsyndromic deafness 6; DEAFNESS, AUTOSOMAL DOMINANT 6; DEAFNESS, AUTOSOMAL DOMINANT 14; DEAFNESS, AUTOSOMAL DOMINANT 38. Identifiers: Orphanet 90635, MedGen C1833021, MONDO:0010963, OMIM 600965.
Type 2 diabetes mellitus. Also called: Type II diabetes mellitus. Identifiers: MedGen C0011860, MeSH D003924, MONDO:0005148, OMIM 125853, HP:0005978.
Wolfram-like syndrome. Also called: HEARING LOSS, PROGRESSIVE, WITH OPTIC ATROPHY AND/OR IMPAIRED GLUCOSE REGULATION. Identifiers: Orphanet 411590, MedGen C3280358, MONDO:0013673, OMIM 614296.

Allele frequency attached by ClinVar (database versions not stated): ExAC 0.00002; gnomAD exomes 0.00003.

Submissions (5):

Labcorp Genetics (formerly Invitae), Labcorp
Classification: Uncertain significance. Last evaluated: 2025-09-26. Review status: criteria provided, single submitter. Criteria: Invitae Variant Classification Sherloc (09022015). Collection method: clinical testing. Allele origin: germline.
Comment: This sequence change replaces isoleucine, which is neutral and non-polar, with methionine, which is neutral and non-polar, at codon 489 of the WFS1 protein (p.Ile489Met). This variant is present in population databases (rs768029820, gnomAD 0.006%). This variant has not been reported in the literature in individuals affected with WFS1-related conditions. ClinVar contains an entry for this variant (Variation ID: 449979). Invitae Evidence Modeling of protein sequence and biophysical properties (such as structural, functional, and spatial information, amino acid conservation, physicochemical variation, residue mobility, and thermodynamic stability) indicates that this missense variant is not expected to disrupt WFS1 protein function with a negative predictive value of 95%. In summary, the available evidence is currently insufficient to determine the role of this variant in disease. Therefore, it has been classified as a Variant of Uncertain Significance.

Fulgent Genetics
Classification: Uncertain significance for Cataract 41; Type 2 diabetes mellitus; Wolfram syndrome 1; Autosomal dominant nonsyndromic hearing loss 6; Wolfram-like syndrome. Last evaluated: 2024-04-10. Review status: criteria provided, single submitter. Criteria: ACMG Guidelines, 2015. Collection method: clinical testing. Allele origin: germline.

GeneDx
Classification: Uncertain significance. Last evaluated: 2022-09-13. Review status: criteria provided, single submitter. Criteria: GeneDx Variant Classification Process June 2021. Collection method: clinical testing. Allele origin: germline. Affected: yes.
Comment: In silico analysis supports that this missense variant does not alter protein structure/function; Has not been previously published as pathogenic or benign to our knowledge

Centre for Mendelian Genomics, University Medical Centre Ljubljana
Classification: Uncertain significance for Type 2 diabetes mellitus. Last evaluated: 2019-05-04. Review status: criteria provided, single submitter. Criteria: ACMG Guidelines, 2015. Collection method: clinical testing. Allele origin: unknown. Affected: yes.
Comment: This variant was classified as: Uncertain significance. The following ACMG criteria were applied in classifying this variant: PM2.

Clinical Genomics, Uppaluri K&H Personalized Medicine Clinic
Classification: Likely benign for Wolfram syndrome 1. Review status: criteria provided, single submitter. Criteria: K & H Uppaluri Personalized Medicine Clinic Variant Classification & Assertion Criteria_Updated V.1. Collection method: research. Allele origin: unknown. Inheritance: Autosomal recessive inheritance.
Comment: Potent mutations in WFS1 gene are associated with Wolfram's syndrome, an autosomal recessive condition, which cause diabetes mellitus, diabetes insipidus, deafness and optic atrophy. However no sufficient evidence is found to ascertain the role of this particular variant rs768029820 in Wolfram's syndrome yet.

Literature cited by the submitters: PubMed 20738327 (cited by Clinical Genomics, Uppaluri K&H Personalized Medicine Clinic); PubMed 33879153 (cited by Clinical Genomics, Uppaluri K&H Personalized Medicine Clinic); PubMed 12955714 (cited by Clinical Genomics, Uppaluri K&H Personalized Medicine Clinic); PubMed 18060660 (cited by Clinical Genomics, Uppaluri K&H Personalized Medicine Clinic); PubMed 20301750 (cited by Clinical Genomics, Uppaluri K&H Personalized Medicine Clinic); PubMed 17603484 (cited by Clinical Genomics, Uppaluri K&H Personalized Medicine Clinic).

NM_006005.3(WFS1):c.1467C>G (p.Ile489Met)

Gene: WFS1 (wolframin ER transmembrane glycoprotein; plus strand). Cytogenetic location: 4p16.1.
Variant type: single nucleotide variant.
Coding change: c.1467C>G on transcript NM_006005.3 (MANE Select); coding-DNA position 1467, C replaced by G.
Protein change: p.Ile489Met; replaces isoleucine 489 with methionine.
Molecular consequence: missense variant.
Genome position (GRCh38, 1-based): chr4:6,301,262, C>G. VCF-style: chr4-6301262-C-G. GRCh37 (hg19) VCF-style: chr4-6302989-C-G.
Other names: c.1467C>G, p.Ile489Met (NM_001145853.1); short protein forms I489M.
Identifiers: ClinVar variation 449979 (VCV000449979.26), dbSNP rs768029820, ClinGen allele CA2839365.